The following is an entry in ClinVar:

NM_002637.4(PHKA1):c.1111G>A (p.Glu371Lys)

Gene: PHKA1 (phosphorylase kinase regulatory subunit alpha 1; minus strand). Cytogenetic location: Xq13.1.
Variant type: single nucleotide variant.
Coding change: c.1111G>A on transcript NM_002637.4 (MANE Select); coding-DNA position 1111, G replaced by A.
Protein change: p.Glu371Lys; replaces glutamic acid 371 with lysine.
Molecular consequence: missense variant.
Genome position (GRCh38, 1-based): chrX:72,653,461, C>T on the plus strand (G>A on the coding strand, the complement: PHKA1 is on the minus strand). VCF-style: chrX-72653461-C-T. GRCh37 (hg19) VCF-style: chrX-71873311-C-T.
Other names: c.1111G>A, p.Glu371Lys (NM_001122670.2, NM_001172436.2, NM_001431068.1 and 2 more transcripts); short protein forms E371K.
Identifiers: ClinVar variation 5026502 (VCV005026502.1).
Genomic context (GRCh38, chrX:72,653,461, plus strand): 5'-TATCAGCTACATGTTATGGCACTGTCTGACTCACCCTGTCAGGAGGAACACTGTACAGCT[C>T]TGGCAGAAGTGGGACTCCATTTTTGCCCTTGATGAGGACTGCTTCAAGAGCCTCTTTATA-3'
Protein context (NP_002628.2, residues 361-381): KGKNGVPLLP[Glu371Lys]LYSVPPDRVD

ClinVar aggregate classification (germline): Uncertain significance (1 of 4 stars; one submission).

Conditions:
Inborn genetic diseases. Identifiers: MedGen C0950123, MeSH D030342.

Submission:

Ambry Genetics
Classification: Uncertain significance for Inborn genetic diseases. Last evaluated: 2026-08-03. Review status: criteria provided, single submitter. Criteria: Ambry Variant Classification Scheme 2023. Collection method: clinical testing. Allele origin: germline.
Comment: The c.1111G>A (p.E371K) alteration is located in exon 11 (coding exon 11) of the PHKA1 gene. This alteration results from a G to A substitution at nucleotide position 1111, causing the glutamic acid (E) at amino acid position 371 to be replaced by a lysine (K). This variant was not reported in population-based cohorts in the Genome Aggregation Database (gnomAD). This amino acid position is highly conserved in available vertebrate species. This alteration is predicted to be deleterious by in silico analysis. Based on insufficient or conflicting evidence, the clinical significance of this alteration remains unclear.